The following is an entry in ClinVar:

ClinVar aggregate classification (germline): Pathogenic (1 of 4 stars; one submission).

Conditions:
Familial hemophagocytic lymphohistiocytosis 3 (FHL3). Also called: UNC13D-Related Familial Hemophagocytic Lymphohistiocytosis (UNC13D-fHLH). Identifiers: Orphanet 540, MedGen C1837174, MONDO:0012146, OMIM 608898.

Submission:

Labcorp Genetics (formerly Invitae), Labcorp
Classification: Pathogenic for Familial hemophagocytic lymphohistiocytosis 3. Last evaluated: 2023-09-06. Review status: criteria provided, single submitter. Criteria: Invitae Variant Classification Sherloc (09022015). Collection method: clinical testing. Allele origin: germline.
Comment: This sequence change creates a premature translational stop signal (p.Leu190Trpfs*59) in the UNC13D gene. It is expected to result in an absent or disrupted protein product. Loss-of-function variants in UNC13D are known to be pathogenic (PMID: 14622600). This variant is not present in population databases (gnomAD no frequency). This variant has not been reported in the literature in individuals affected with UNC13D-related conditions. For these reasons, this variant has been classified as Pathogenic.

Literature cited by the submitters: PubMed 14622600.

NM_199242.3(UNC13D):c.568del (p.Leu190fs)

Gene: UNC13D (unc-13 homolog D; minus strand). Cytogenetic location: 17q25.1.
Variant type: Deletion.
Coding change: c.568del on transcript NM_199242.3 (MANE Select); coding-DNA position 568, one base deleted (C; older notation c.568delC).
Protein change: p.Leu190fs; shifts the reading frame from leucine 190.
Molecular consequence: frameshift variant.
Genome position (GRCh38, 1-based): chr17:75,842,434, G deleted on the plus strand (C on the coding strand, the reverse complement: UNC13D is on the minus strand); the first of 2 consecutive G bases (chr17:75,842,434-75,842,435); deleting either gives the same sequence. VCF-style (leftmost placement, unchanged base first): chr17-75842433-AG-A. GRCh37 (hg19) VCF-style: chr17-73838514-AG-A.
Other names: short protein forms L190fs.
Identifiers: ClinVar variation 2758518 (VCV002758518.3), dbSNP rs2545987244, ClinGen allele CA2697555147.